The following is an entry in ClinVar:

ClinVar aggregate classification (germline): Uncertain significance. Review status: criteria provided, single submitter (1 of 4 stars). 3 submissions from 3 submitters: Uncertain significance (1). 2 of the submissions do not count toward it. Last evaluated 2024-12-17.

Conditions:
Dilated cardiomyopathy 1DD (CMD1DD). Identifiers: Orphanet 154, MedGen C2750995, MONDO:0013168, OMIM 613172.

Allele frequency attached by ClinVar (database versions not stated): gnomAD 0.00001; gnomAD exomes 0.00001; ExAC 0.00005.
gnomAD v4.1: 12 of 1,551,518 alleles (0.00077%); highest among the groups gnomAD compares: South Asian, 0.0048%; no homozygotes.

Submissions (3):

Labcorp Genetics (formerly Invitae), Labcorp
Classification: Uncertain significance for Dilated cardiomyopathy 1DD. Last evaluated: 2024-12-17. Review status: criteria provided, single submitter. Criteria: Invitae Variant Classification Sherloc (09022015). Collection method: clinical testing. Allele origin: germline.
Comment: This sequence change affects codon 1105 of the RBM20 mRNA. It is a 'silent' change, meaning that it does not change the encoded amino acid sequence of the RBM20 protein. It affects a nucleotide within the consensus splice site. This variant is present in population databases (rs772179438, gnomAD 0.004%). This variant has not been reported in the literature in individuals affected with RBM20-related conditions. ClinVar contains an entry for this variant (Variation ID: 566920). Algorithms developed to predict the effect of sequence changes on RNA splicing suggest that this variant is not likely to affect RNA splicing. In summary, the available evidence is currently insufficient to determine the role of this variant in disease. Therefore, it has been classified as a Variant of Uncertain Significance.

Clinical Genetics DNA and cytogenetics Diagnostics Lab, Erasmus MC, Erasmus Medical Center
Classification: Likely benign. Review status: no assertion criteria provided. Collection method: clinical testing. Allele origin: germline. Affected: yes. Study: VKGL Data-share Consensus. Not counted in ClinVar's aggregate classification.

Clinical Genetics, Academic Medical Center
Classification: Benign. Review status: no assertion criteria provided. Collection method: clinical testing. Allele origin: germline. Affected: yes. Study: VKGL Data-share Consensus. Not counted in ClinVar's aggregate classification.

NM_001134363.3(RBM20):c.3315G>A (p.Pro1105=)

Gene: RBM20 (RNA binding motif protein 20; plus strand). Cytogenetic location: 10q25.2.
Variant type: single nucleotide variant.
Coding change: c.3315G>A on transcript NM_001134363.3 (MANE Select); coding-DNA position 3315, G replaced by A.
Protein change: p.Pro1105=; no amino-acid change (proline 1105 retained).
Molecular consequence: synonymous variant.
Genome position (GRCh38, 1-based): chr10:110,821,934, G>A. VCF-style: chr10-110821934-G-A. GRCh37 (hg19) VCF-style: chr10-112581692-G-A.
Identifiers: ClinVar variation 566920 (VCV000566920.12), dbSNP rs772179438, ClinGen allele CA5688746.
Genomic context (GRCh38, chr10:110,821,934, plus strand): 5'-AGCCAGCCCCCCCATCGAAACTGACCTCCAAAACCAAGCTTGCCAAGAAGTGTTGACCCC[G>A]GGTAACTATCTCCCCTTTCCTCACGGGTGGTCGGGTTGATTGGACTCCTGCTCACCTGAT-3'
Protein context (NP_001127835.2, residues 1095-1115): QNQACQEVLT[Pro1105=]ENSRYVEMKS